The following is an entry in ClinVar:

ClinVar aggregate classification (germline): Benign (1 of 4 stars; one submission).

Allele frequency attached by ClinVar (database versions not stated): 1000 Genomes Project 0.94050; 1000 Genomes Project 30x 0.94051; TOPMed 0.95047; gnomAD 0.95467 and 0.95690.
gnomAD v4.1: 145,666 of 152,172 alleles (96%); highest among the groups gnomAD compares: Non-Finnish European, 100%; 70,013 homozygotes.

Submission:

GeneDx
Classification: Benign. Last evaluated: 2018-06-19. Review status: criteria provided, single submitter. Criteria: GeneDx Variant Classification (06012015). Collection method: clinical testing. Allele origin: germline. Affected: yes.
Comment: This variant is considered likely benign or benign based on one or more of the following criteria: it is a conservative change, it occurs at a poorly conserved position in the protein, it is predicted to be benign by multiple in silico algorithms, and/or has population frequency not consistent with disease.

NM_000153.4(GALC):c.1912-170C>T

Gene: GALC (galactosylceramidase; minus strand). Cytogenetic location: 14q31.3.
Variant type: single nucleotide variant.
Coding change: c.1912-170C>T on transcript NM_000153.4 (MANE Select); 170 bases into the intron before coding-DNA position 1912, C replaced by T.
Molecular consequence: intron variant.
Genome position (GRCh38, 1-based): chr14:87,935,048, G>A on the plus strand (C>T on the coding strand, the complement: GALC is on the minus strand). VCF-style: chr14-87935048-G-A. GRCh37 (hg19) VCF-style: chr14-88401392-G-A.
Other names: c.1834-170C>T (NM_001201402.2); c.1843-170C>T (NM_001201401.2).
Identifiers: ClinVar variation 680310 (VCV000680310.1), dbSNP rs433764, ClinGen allele CA264674783.